The following is an entry in ClinVar:

NM_016111.4(TELO2):c.2291+1G>C

Gene: TELO2 (telomere maintenance 2; plus strand). Cytogenetic location: 16p13.3.
Variant type: single nucleotide variant.
Coding change: c.2291+1G>C on transcript NM_016111.4 (MANE Select); the canonical splice donor site of the intron after coding-DNA position 2291, G replaced by C.
Molecular consequence: splice donor variant.
Genome position (GRCh38, 1-based): chr16:1,507,371, G>C. VCF-style: chr16-1507371-G-C. GRCh37 (hg19) VCF-style: chr16-1557372-G-C.
Other names: c.2291+1G>C (NM_001351846.2).
Identifiers: ClinVar variation 2072846 (VCV002072846.6), dbSNP rs76038845, ClinGen allele CA7812588.

ClinVar aggregate classification (germline): Likely pathogenic. Review status: criteria provided, multiple submitters, no conflicts (2 of 4 stars). 3 submissions from 3 submitters: Likely pathogenic (3). Last evaluated 2025-08-31.

Conditions:
TELO2-related disorder. Also called: TELO2-related condition.

Submissions (3):

Labcorp Genetics (formerly Invitae), Labcorp
Classification: Likely pathogenic. Last evaluated: 2025-08-31. Review status: criteria provided, single submitter. Criteria: Invitae Variant Classification Sherloc (09022015). Collection method: clinical testing. Allele origin: germline.
Comment: This sequence change affects a donor splice site in intron 19 of the TELO2 gene. It is expected to disrupt RNA splicing. Variants that disrupt the donor or acceptor splice site typically lead to a loss of protein function (PMID: 16199547), and loss-of-function variants in TELO2 are known to be pathogenic (PMID: 28944240). This variant is present in population databases (rs76038845, gnomAD 0.002%). This variant has not been reported in the literature in individuals affected with TELO2-related conditions. ClinVar contains an entry for this variant (Variation ID: 2072846). Algorithms developed to predict the effect of sequence changes on RNA splicing suggest that this variant may disrupt the consensus splice site. In summary, the currently available evidence indicates that the variant is pathogenic, but additional data are needed to prove that conclusively. Therefore, this variant has been classified as Likely Pathogenic.

Blueprint Genetics
Classification: Likely pathogenic for TELO2-related disorders. Last evaluated: 2024-03-26. Review status: criteria provided, single submitter. Criteria: ACMG Guidelines, 2015. Collection method: clinical testing. Allele origin: germline. Affected: yes. Observed: 2 variant alleles.

GeneDx
Classification: Likely pathogenic. Last evaluated: 2023-02-22. Review status: criteria provided, single submitter. Criteria: GeneDx Variant Classification Process June 2021. Collection method: clinical testing. Allele origin: germline. Affected: yes.
Comment: Canonical splice site variant predicted to result in a null allele in a gene for which loss of function is a known mechanism of disease; Not observed at significant frequency in large population cohorts (gnomAD); Has not been previously published as pathogenic or benign to our knowledge

Literature cited by the submitters: PubMed 16199547 (cited by Labcorp Genetics (formerly Invitae), Labcorp); PubMed 28944240 (cited by Labcorp Genetics (formerly Invitae), Labcorp).